The following is an entry in ClinVar:

ClinVar aggregate classification (germline): Uncertain significance (1 of 4 stars; one submission).

gnomAD v4.1: 22 of 1,582,070 alleles (0.0014%); highest among the groups gnomAD compares: South Asian, 0.0058%; no homozygotes.

Submission:

Labcorp Genetics (formerly Invitae), Labcorp
Classification: Uncertain significance. Last evaluated: 2024-02-22. Review status: criteria provided, single submitter. Criteria: Invitae Variant Classification Sherloc (09022015). Collection method: clinical testing. Allele origin: germline.
Comment: This sequence change replaces arginine, which is basic and polar, with cysteine, which is neutral and slightly polar, at codon 799 of the ACTN1 protein (p.Arg799Cys). The frequency data for this variant in the population databases is considered unreliable, as metrics indicate poor data quality at this position in the gnomAD database. This variant has not been reported in the literature in individuals affected with ACTN1-related conditions. Advanced modeling of protein sequence and biophysical properties (such as structural, functional, and spatial information, amino acid conservation, physicochemical variation, residue mobility, and thermodynamic stability) performed at Invitae indicates that this missense variant is not expected to disrupt ACTN1 protein function with a negative predictive value of 80%. In summary, the available evidence is currently insufficient to determine the role of this variant in disease. Therefore, it has been classified as a Variant of Uncertain Significance.

NM_001130004.2(ACTN1):c.2395C>T (p.Arg799Cys)

Gene: ACTN1 (actinin alpha 1; minus strand). Cytogenetic location: 14q24.1.
Variant type: single nucleotide variant.
Coding change: c.2395C>T on transcript NM_001130004.2 (MANE Select); coding-DNA position 2395, C replaced by T.
Protein change: p.Arg799Cys; replaces arginine 799 with cysteine.
Molecular consequence: missense variant. On other transcripts: intron variant (16).
Genome position (GRCh38, 1-based): chr14:68,878,490, G>A on the plus strand (C>T on the coding strand, the complement: ACTN1 is on the minus strand). VCF-style: chr14-68878490-G-A. GRCh37 (hg19) VCF-style: chr14-69345207-G-A.
Other names: c.2314C>T, p.Arg772Cys (NM_001130005.2, NM_001424014.1); c.2338C>T, p.Arg780Cys (NM_001411035.1); c.2251C>T, p.Arg751Cys (NM_001424022.1); c.2212C>T, p.Arg738Cys (NM_001424024.1); c.2131C>T, p.Arg711Cys (NM_001424027.1); c.2119C>T, p.Arg707Cys (NM_001424028.1); c.2098-1250C>T (NM_001424029.1); c.2178+499C>T (NM_001424025.1, NM_001424019.1); and 11 more; short protein forms R707C, R711C, R738C, R751C, R772C, R780C, R799C.
Identifiers: ClinVar variation 3603509 (VCV003603509.2).